The following is an entry in ClinVar:

ClinVar aggregate classification (germline): Uncertain significance (1 of 4 stars; one submission).

gnomAD v4.1: 2 of 1,211,979 alleles (0.00017%); highest among the groups gnomAD compares: Non-Finnish European, 0.00022%; no homozygotes.

Submission:

GeneDx
Classification: Uncertain significance. Last evaluated: 2026-08-12. Review status: criteria provided, single submitter. Criteria: GeneDx Variant Classification Process June 2021. Collection method: clinical testing. Allele origin: germline.
Comment: Not observed at significant frequency in large population cohorts (gnomAD); In silico analysis supports that this missense variant has a deleterious effect on protein structure/function; Has not been previously published as pathogenic or benign to our knowledge

NM_001111125.3(IQSEC2):c.2159G>A (p.Ser720Asn)

Gene: IQSEC2 (IQ motif and Sec7 domain ArfGEF 2; minus strand). Cytogenetic location: Xp11.22.
Variant type: single nucleotide variant.
Coding change: c.2159G>A on transcript NM_001111125.3 (MANE Select); coding-DNA position 2159, G replaced by A.
Protein change: p.Ser720Asn; replaces serine 720 with asparagine.
Molecular consequence: missense variant.
Genome position (GRCh38, 1-based): chrX:53,250,417, C>T on the plus strand (G>A on the coding strand, the complement: IQSEC2 is on the minus strand). VCF-style: chrX-53250417-C-T. GRCh37 (hg19) VCF-style: chrX-53279599-C-T.
Other names: c.2159G>A, p.Ser720Asn (NM_001410736.1, NM_001441092.1); c.1661G>A, p.Ser554Asn (NM_001441093.1); c.1448G>A, p.Ser483Asn (NM_001441094.1, NM_001441095.1); c.1544G>A, p.Ser515Asn (NM_015075.2); short protein forms S483N, S515N, S554N, S720N.
Identifiers: ClinVar variation 4681149 (VCV004681149.2).